The following is an entry in ClinVar:

ClinVar aggregate classification (germline): Uncertain significance (1 of 4 stars; one submission).

Conditions:
EPILEPSY, CHILDHOOD ABSENCE, SUSCEPTIBILITY TO, 2 (ECA2). Identifiers: Orphanet 64280, MedGen C1843244, OMIM 607681.
Febrile seizures, familial, 8 (FEB8). Also called: CONVULSIONS, FAMILIAL FEBRILE, 8. Identifiers: Orphanet 36387, MedGen C1969810, MONDO:0011891, OMIM 607681.

Submission:

Labcorp Genetics (formerly Invitae), Labcorp
Classification: Uncertain significance for Febrile seizures, familial, 8; EPILEPSY, CHILDHOOD ABSENCE, SUSCEPTIBILITY TO, 2. Last evaluated: 2025-03-19. Review status: criteria provided, single submitter. Criteria: Invitae Variant Classification Sherloc (09022015). Collection method: clinical testing. Allele origin: germline.
Comment: This sequence change replaces asparagine, which is neutral and polar, with serine, which is neutral and polar, at codon 297 of the GABRG2 protein (p.Asn297Ser). This variant is not present in population databases (gnomAD no frequency). This variant has not been reported in the literature in individuals affected with GABRG2-related conditions. ClinVar contains an entry for this variant (Variation ID: 862193). Invitae Evidence Modeling of protein sequence and biophysical properties (such as structural, functional, and spatial information, amino acid conservation, physicochemical variation, residue mobility, and thermodynamic stability) indicates that this missense variant is expected to disrupt GABRG2 protein function with a positive predictive value of 95%. In summary, the available evidence is currently insufficient to determine the role of this variant in disease. Therefore, it has been classified as a Variant of Uncertain Significance.

NM_198904.4(GABRG2):c.890A>G (p.Asn297Ser)

Gene: GABRG2 (gamma-aminobutyric acid type A receptor subunit gamma2; plus strand). Cytogenetic location: 5q34.
Variant type: single nucleotide variant.
Coding change: c.890A>G on transcript NM_198904.4 (MANE Select); coding-DNA position 890, A replaced by G.
Protein change: p.Asn297Ser; replaces asparagine 297 with serine.
Molecular consequence: missense variant.
Genome position (GRCh38, 1-based): chr5:162,142,284, A>G. VCF-style: chr5-162142284-A-G. GRCh37 (hg19) VCF-style: chr5-161569290-A-G.
Other names: c.890A>G, p.Asn297Ser (NM_000816.3, NM_001375340.1); c.881A>G, p.Asn294Ser (NM_001375339.1); c.887A>G, p.Asn296Ser (NM_001375341.1, NM_001375342.1); c.1010A>G, p.Asn337Ser (NM_001375343.1, NM_198903.2); c.929A>G, p.Asn310Ser (NM_001375344.1); c.824A>G, p.Asn275Ser (NM_001375345.1, NM_001375346.1); c.803A>G, p.Asn268Ser (NM_001375347.1); c.470A>G, p.Asn157Ser (NM_001375348.1, NM_001375350.1); and 1 more; short protein forms N202S, N157S, N275S, N294S, N296S, N337S, N268S, N297S.
Identifiers: ClinVar variation 862193 (VCV000862193.10), dbSNP rs1764626977, ClinGen allele CA362182211.